The following is an entry in ClinVar:

NM_001009944.3(PKD1):c.12454A>G (p.Lys4152Glu)

Gene: PKD1 (polycystin 1, transient receptor potential channel interacting; minus strand). Cytogenetic location: 16p13.3.
Variant type: single nucleotide variant.
Coding change: c.12454A>G on transcript NM_001009944.3 (MANE Select); coding-DNA position 12454, A replaced by G.
Protein change: p.Lys4152Glu; replaces lysine 4152 with glutamic acid.
Molecular consequence: missense variant.
Genome position (GRCh38, 1-based): chr16:2,090,185, T>C on the plus strand (A>G on the coding strand, the complement: PKD1 is on the minus strand). VCF-style: chr16-2090185-T-C. GRCh37 (hg19) VCF-style: chr16-2140186-T-C.
Other names: c.12451A>G, p.Lys4151Glu (NM_000296.4); short protein forms K4151E, K4152E.
Identifiers: ClinVar variation 4532330 (VCV004532330.1).
Genomic context (GRCh38, chr16:2,090,185, plus strand): 5'-ATACCTTGGAGCCCCTGGAGGAGCGAGAGGGCAGCGGCTCCATCCCTTCAAAGCGGACTT[T>C]GTGGCGGAACTGGGGGCGGCACAGGGGCTCAGTCAGTCCGGCTGCACCCTGGGCAGAGCC-3'
Protein context (NP_001009944.3, residues 4142-4162): GLSKVKEFRH[Lys4152Glu]VRFEGMEPLP

ClinVar aggregate classification (germline): Uncertain significance (1 of 4 stars; one submission).

Submission:

GeneDx
Classification: Uncertain significance. Last evaluated: 2025-05-28. Review status: criteria provided, single submitter. Criteria: GeneDx Variant Classification Process June 2021. Collection method: clinical testing. Allele origin: germline. Affected: yes.
Comment: Identified in a patient with autosomal dominant polycystic kidney disease; however, the patient harbored an additional pathogenic PKD1 variant that is likely contributing to the phenotype (PMID: 27499327); In silico analysis suggests that this missense variant does not alter protein structure/function; Not observed at significant frequency in large population cohorts (gnomAD); This variant is associated with the following publications: (PMID: 27499327)